The following is an entry in ClinVar:

ClinVar aggregate classification (germline): Uncertain significance (1 of 4 stars; one submission).

Conditions:
2-aminoadipic 2-oxoadipic aciduria (AAKAD). Also called: ALPHA-AMINOADIPIC AND ALPHA-KETOADIPIC ACIDURIA; Aminoadipic aciduria. Identifiers: Orphanet 79154, MedGen C1859817, MONDO:0008774, OMIM 204750.

gnomAD v4.1: 1 of 1,594,510 alleles (0.000063%); highest among the groups gnomAD compares: Non-Finnish European, 0.000085%; no homozygotes.

Submission:

Labcorp Genetics (formerly Invitae), Labcorp
Classification: Uncertain significance for 2-aminoadipic 2-oxoadipic aciduria. Last evaluated: 2024-05-25. Review status: criteria provided, single submitter. Criteria: Invitae Variant Classification Sherloc (09022015). Collection method: clinical testing. Allele origin: germline.
Comment: This sequence change replaces aspartic acid, which is acidic and polar, with valine, which is neutral and non-polar, at codon 570 of the DHTKD1 protein (p.Asp570Val). This variant is not present in population databases (gnomAD no frequency). This variant has not been reported in the literature in individuals affected with DHTKD1-related conditions. ClinVar contains an entry for this variant (Variation ID: 2422035). Advanced modeling of protein sequence and biophysical properties (such as structural, functional, and spatial information, amino acid conservation, physicochemical variation, residue mobility, and thermodynamic stability) performed at Invitae indicates that this missense variant is expected to disrupt DHTKD1 protein function with a positive predictive value of 80%. In summary, the available evidence is currently insufficient to determine the role of this variant in disease. Therefore, it has been classified as a Variant of Uncertain Significance.

NM_018706.7(DHTKD1):c.1709A>T (p.Asp570Val)

Gene: DHTKD1 (dehydrogenase E1 and transketolase domain containing 1; plus strand). Cytogenetic location: 10p14.
Variant type: single nucleotide variant.
Coding change: c.1709A>T on transcript NM_018706.7 (MANE Select); coding-DNA position 1709, A replaced by T.
Protein change: p.Asp570Val; replaces aspartic acid 570 with valine.
Molecular consequence: missense variant.
Genome position (GRCh38, 1-based): chr10:12,100,215, A>T. VCF-style: chr10-12100215-A-T. GRCh37 (hg19) VCF-style: chr10-12142214-A-T.
Other names: short protein forms D570V.
Identifiers: ClinVar variation 2422035 (VCV002422035.8), dbSNP rs755956888, ClinGen allele CA376021891.
Genomic context (GRCh38, chr10:12,100,215, plus strand): 5'-TTTTCTTCCTCTGAATTTTACAGTCCAGAATGGAGAAGATGATGGACGGAATCAAGCTAG[A>T]CTGGGCCACCGCGGAAGCTCTTGCCTTGGGTTCTTTACTTGCTCAAGGTAAGAATTTTCT-3'
Protein context (NP_061176.4, residues 560-580): MEKMMDGIKL[Asp570Val]WATAEALALG